The following is an entry in ClinVar:

NM_020738.4(KIDINS220):c.376C>A (p.His126Asn)

Gene: KIDINS220 (kinase D interacting substrate 220; minus strand). Cytogenetic location: 2p25.1.
Variant type: single nucleotide variant.
Coding change: c.376C>A on transcript NM_020738.4 (MANE Select); coding-DNA position 376, C replaced by A.
Protein change: p.His126Asn; replaces histidine 126 with asparagine.
Molecular consequence: missense variant. On other transcripts: non-coding transcript variant (2).
Genome position (GRCh38, 1-based): chr2:8,813,266, G>T on the plus strand (C>A on the coding strand, the complement: KIDINS220 is on the minus strand). VCF-style: chr2-8813266-G-T. GRCh37 (hg19) VCF-style: chr2-8953396-G-T.
Other names: c.376C>A, p.His126Asn (NM_001348735.2, NM_001348738.2, NM_001348739.2 and 9 more transcripts); c.250C>A, p.His84Asn (NM_001348736.2); short protein forms H126N, H84N.
Identifiers: ClinVar variation 2637177 (VCV002637177.7), dbSNP rs749584082, ClinGen allele CA1520448.

ClinVar aggregate classification (germline): Conflicting classifications of pathogenicity. Review status: criteria provided, conflicting classifications (1 of 4 stars). 3 submissions from 3 submitters: Uncertain significance (2); Likely benign (1). Last evaluated 2026-08-17.

Conditions:
KIDINS220-related disorder. Also called: KIDINS220-related condition.
Inborn genetic diseases. Identifiers: MedGen C0950123, MeSH D030342.

Allele frequency attached by ClinVar (database versions not stated): ExAC 0.00001; gnomAD exomes 0.00002; gnomAD 0.00014; TOPMed 0.00024.
gnomAD v4.1: 49 of 1,613,158 alleles (0.003%); highest among the groups gnomAD compares: African/African-American, 0.045%; no homozygotes.

Submissions (3):

PreventionGenetics, part of Exact Sciences
Classification: Uncertain significance for KIDINS220-related condition. Last evaluated: 2026-08-17. Review status: criteria provided, single submitter. Criteria: ACMG Guidelines, 2015. Collection method: clinical testing. Allele origin: germline.
Comment: The KIDINS220 c.376C>A variant is predicted to result in the amino acid substitution p.His126Asn. To our knowledge, this variant has not been reported in the literature. This variant is reported in 0.046% of alleles in individuals of African descent in gnomAD. At this time, the clinical significance of this variant is uncertain due to the absence of conclusive functional and genetic evidence.

Labcorp Genetics (formerly Invitae), Labcorp
Classification: Uncertain significance. Last evaluated: 2025-06-11. Review status: criteria provided, single submitter. Criteria: Invitae Variant Classification Sherloc (09022015). Collection method: clinical testing. Allele origin: germline.
Comment: This sequence change replaces histidine, which is basic and polar, with asparagine, which is neutral and polar, at codon 126 of the KIDINS220 protein (p.His126Asn). This variant is present in population databases (rs749584082, gnomAD 0.05%). This variant has not been reported in the literature in individuals affected with KIDINS220-related conditions. ClinVar contains an entry for this variant (Variation ID: 2637177). An algorithm developed to predict the effect of missense changes on protein structure and function (PolyPhen-2) suggests that this variant is likely to be tolerated. In summary, the available evidence is currently insufficient to determine the role of this variant in disease. Therefore, it has been classified as a Variant of Uncertain Significance.

Ambry Genetics
Classification: Likely benign for Inborn genetic diseases. Last evaluated: 2024-03-25. Review status: criteria provided, single submitter. Criteria: Ambry Variant Classification Scheme 2023. Collection method: clinical testing. Allele origin: germline.